The following is an entry in ClinVar:

NM_000038.6(APC):c.7G>T (p.Ala3Ser)

Gene: APC (APC regulator of Wnt signaling pathway; plus strand). Cytogenetic location: 5q22.2.
Variant type: single nucleotide variant.
Coding change: c.7G>T on transcript NM_000038.6 (MANE Select); coding-DNA position 7, G replaced by T.
Protein change: p.Ala3Ser; replaces alanine 3 with serine.
Molecular consequence: missense variant. On other transcripts: intron variant (11), 5 prime UTR variant (4), non-coding transcript variant (2).
Genome position (GRCh38, 1-based): chr5:112,754,897, G>T. VCF-style: chr5-112754897-G-T. GRCh37 (hg19) VCF-style: chr5-112090594-G-T.
Other names: c.7G>T, p.Ala3Ser (NM_001407455.1, NM_001407456.1, NM_001407457.1 and 16 more transcripts); c.166-11429G>T (NM_001407446.1, NM_001354897.2, NM_001354902.2 and 1 more transcripts); c.-1029G>T (NM_001407472.1, NM_001407471.1, NM_001407470.1 and 1 more transcripts); c.-42-11429G>T (NM_001407453.1, NM_001354900.2, NM_001354901.2 and 1 more transcripts); c.61-11429G>T (NM_001407451.1, NM_001354898.2, NM_001354904.2); short protein forms A3S.
Identifiers: ClinVar variation 3881539 (VCV003881539.1).

ClinVar aggregate classification (germline): Uncertain significance (1 of 4 stars; one submission).

Conditions:
Hereditary cancer-predisposing syndrome. Also called: Tumor predisposition; Neoplastic Syndromes, Hereditary; Hereditary Cancer Syndrome; Hereditary neoplastic syndrome. Identifiers: Orphanet 140162, MedGen C0027672, MeSH D009386, MONDO:0015356.

Submission:

Ambry Genetics
Classification: Uncertain significance for Hereditary cancer-predisposing syndrome. Last evaluated: 2025-01-17. Review status: criteria provided, single submitter. Criteria: Ambry Variant Classification Scheme 2023. Collection method: clinical testing. Allele origin: germline.
Comment: The p.A3S variant (also known as c.7G>T), located in coding exon 1 of the APC gene, results from a G to T substitution at nucleotide position 7. The alanine at codon 3 is replaced by serine, an amino acid with similar properties. This amino acid position is highly conserved in available vertebrate species. In addition, in silico predictors for this gene do not accurately predict pathogenicity. Based on the available evidence, the clinical significance of this variant remains unclear.